The following is an entry in ClinVar:

NM_001009944.3(PKD1):c.6285C>A (p.Asp2095Glu)

Gene: PKD1 (polycystin 1, transient receptor potential channel interacting; minus strand). Cytogenetic location: 16p13.3.
Variant type: single nucleotide variant.
Coding change: c.6285C>A on transcript NM_001009944.3 (MANE Select); coding-DNA position 6285, C replaced by A.
Protein change: p.Asp2095Glu; replaces aspartic acid 2095 with glutamic acid.
Molecular consequence: missense variant.
Genome position (GRCh38, 1-based): chr16:2,108,882, G>T on the plus strand (C>A on the coding strand, the complement: PKD1 is on the minus strand). VCF-style: chr16-2108882-G-T. GRCh37 (hg19) VCF-style: chr16-2158883-G-T.
Other names: c.6285C>A, p.Asp2095Glu (NM_000296.4); short protein forms D2095E.
Identifiers: ClinVar variation 2635036 (VCV002635036.2), dbSNP rs765861287, ClinGen allele CA7831646.

ClinVar aggregate classification (germline): Conflicting classifications of pathogenicity. Review status: criteria provided, conflicting classifications (1 of 4 stars). 2 submissions from 2 submitters: Uncertain significance (1); Likely benign (1). Last evaluated 2024-11-06.

Conditions:
PKD1-related disorder. Also called: PKD1-related condition.

Allele frequency attached by ClinVar (database versions not stated): gnomAD exomes 0.00002; gnomAD 0.00003; ExAC 0.00007; TOPMed 0.00008.
gnomAD v4.1: 31 of 1,579,512 alleles (0.002%); highest among the groups gnomAD compares: East Asian, 0.07%; no homozygotes.

Submissions (2):

Blueprint Genetics
Classification: Likely benign. Last evaluated: 2024-11-06. Review status: criteria provided, single submitter. Criteria: ACMG Guidelines, 2015. Collection method: clinical testing. Allele origin: germline.

PreventionGenetics, part of Exact Sciences
Classification: Uncertain significance for PKD1-related condition. Last evaluated: 2023-05-27. Review status: criteria provided, single submitter. Criteria: ACMG Guidelines, 2015. Collection method: clinical testing. Allele origin: germline.
Comment: The PKD1 c.6285C>A variant is predicted to result in the amino acid substitution p.Asp2095Glu. This variant has been reported in an individual with intracranial aneurysms (Hirota et al. 2016. PubMed ID: 27567292), and in an individual with polycystic kidney disease (Supplementary Table S6C, Kim et al. 2019. PubMed ID: 31740684). This variant is reported in 0.076% of alleles in individuals of East Asian descent in gnomAD. This variant falls within a highly paralogous region. Allele frequency data should be interpreted with caution. At this time, the clinical significance of this variant is uncertain due to the absence of conclusive functional and genetic evidence.